The following is an entry in ClinVar:

NM_006796.3(AFG3L2):c.1164A>G (p.Arg388=)

Gene: AFG3L2 (AFG3 like matrix AAA peptidase subunit 2; minus strand). Cytogenetic location: 18p11.21.
Variant type: single nucleotide variant.
Coding change: c.1164A>G on transcript NM_006796.3 (MANE Select); coding-DNA position 1164, A replaced by G.
Protein change: p.Arg388=; no amino-acid change (arginine 388 retained).
Molecular consequence: synonymous variant.
Genome position (GRCh38, 1-based): chr18:12,356,694, T>C on the plus strand (A>G on the coding strand, the complement: AFG3L2 is on the minus strand). VCF-style: chr18-12356694-T-C. GRCh37 (hg19) VCF-style: chr18-12356693-T-C.
Identifiers: ClinVar variation 1932693 (VCV001932693.5), dbSNP rs113619982, ClinGen allele CA296705192.

ClinVar aggregate classification (germline): Uncertain significance (1 of 4 stars; one submission).

Allele frequency attached by ClinVar (database versions not stated): gnomAD exomes below 0.00001.
gnomAD v4.1: 14 of 1,614,110 alleles (0.00087%); highest among the groups gnomAD compares: African/African-American, 0.0053%; no homozygotes.

Submission:

Labcorp Genetics (formerly Invitae), Labcorp
Classification: Uncertain significance. Last evaluated: 2024-01-08. Review status: criteria provided, single submitter. Criteria: Invitae Variant Classification Sherloc (09022015). Collection method: clinical testing. Allele origin: germline.
Comment: This sequence change affects codon 388 of the AFG3L2 mRNA. It is a 'silent' change, meaning that it does not change the encoded amino acid sequence of the AFG3L2 protein. It affects a nucleotide within the consensus splice site. This variant is not present in population databases (gnomAD no frequency). This variant has not been reported in the literature in individuals affected with AFG3L2-related conditions. ClinVar contains an entry for this variant (Variation ID: 1932693). Algorithms developed to predict the effect of sequence changes on RNA splicing suggest that this variant is not likely to affect RNA splicing. In summary, the available evidence is currently insufficient to determine the role of this variant in disease. Therefore, it has been classified as a Variant of Uncertain Significance.